The following is an entry in ClinVar:

NM_001134673.4(NFIA):c.598G>A (p.Ala200Thr)

Gene: NFIA (nuclear factor I A; plus strand). Cytogenetic location: 1p31.3.
Variant type: single nucleotide variant.
Coding change: c.598G>A on transcript NM_001134673.4 (MANE Select); coding-DNA position 598, G replaced by A.
Protein change: p.Ala200Thr; replaces alanine 200 with threonine.
Molecular consequence: missense variant.
Genome position (GRCh38, 1-based): chr1:61,277,558, G>A. VCF-style: chr1-61277558-G-A. GRCh37 (hg19) VCF-style: chr1-61743230-G-A.
Other names: c.574G>A, p.Ala192Thr (NM_001145511.2); c.733G>A, p.Ala245Thr (NM_001145512.2); c.598G>A, p.Ala200Thr (NM_005595.5); short protein forms A192T, A245T, A200T.
Identifiers: ClinVar variation 4774991 (VCV004774991.1).

ClinVar aggregate classification (germline): Uncertain significance (1 of 4 stars; one submission).

Submission:

Labcorp Genetics (formerly Invitae), Labcorp
Classification: Uncertain significance. Last evaluated: 2025-11-17. Review status: criteria provided, single submitter. Criteria: Invitae Variant Classification Sherloc (09022015). Collection method: clinical testing. Allele origin: germline.
Comment: This sequence change replaces alanine, which is neutral and non-polar, with threonine, which is neutral and polar, at codon 200 of the NFIA protein (p.Ala200Thr). This variant is present in population databases (no rsID available, gnomAD 0.002%). This variant has not been reported in the literature in individuals affected with NFIA-related conditions. An algorithm developed to predict the effect of missense changes on protein structure and function outputs the following: PolyPhen-2: "Benign". The threonine amino acid residue is found in multiple mammalian species, which suggests that this missense change does not adversely affect protein function. In summary, the available evidence is currently insufficient to determine the role of this variant in disease. Therefore, it has been classified as a Variant of Uncertain Significance.